The following is an entry in ClinVar:

ClinVar aggregate classification (germline): Benign (0 of 4 stars; one submission).

Conditions:
TEX14-related disorder. Also called: TEX14-related condition.

Allele frequency attached by ClinVar (database versions not stated): TOPMed 0.03195; 1000 Genomes Project 30x 0.03404; ESP Exome Variant Server 0.03421; 1000 Genomes Project 0.03454; gnomAD 0.03472; ExAC 0.04348; gnomAD exomes 0.04445.
gnomAD v4.1: 69,944 of 1,608,912 alleles (4.3%); highest among the groups gnomAD compares: East Asian, 8.5%; 1,721 homozygotes.

Submissions (13):

PreventionGenetics, part of Exact Sciences
Classification: Benign for TEX14-related condition. Last evaluated: 2019-11-16. Review status: no assertion criteria provided. Collection method: clinical testing. Allele origin: germline.
Comment: This variant is classified as benign based on ACMG/AMP sequence variant interpretation guidelines (Richards et al. 2015 PMID: 25741868, with internal and published modifications).

Dr. Peter K. Rogan Lab, Western University
No classification provided (evidence only). Condition: Clear cell carcinoma of kidney. Review status: no classification provided. Collection method: in vitro. Allele origin: not applicable. Functional consequence: retained intron. Not counted in ClinVar's aggregate classification.

Dr. Peter K. Rogan Lab, Western University
No classification provided (evidence only). Condition: Clear cell carcinoma of kidney. Review status: no classification provided. Collection method: in vitro. Allele origin: not applicable. Functional consequence: retained intron. Not counted in ClinVar's aggregate classification.

Dr. Peter K. Rogan Lab, Western University
No classification provided (evidence only). Condition: Clear cell carcinoma of kidney. Review status: no classification provided. Collection method: in vitro. Allele origin: not applicable. Functional consequence: retained intron. Not counted in ClinVar's aggregate classification.

Dr. Peter K. Rogan Lab, Western University
No classification provided (evidence only). Condition: Acute myeloid leukemia. Review status: no classification provided. Collection method: in vitro. Allele origin: not applicable. Functional consequence: retained intron. Not counted in ClinVar's aggregate classification.

Dr. Peter K. Rogan Lab, Western University
No classification provided (evidence only). Condition: Acute myeloid leukemia. Review status: no classification provided. Collection method: in vitro. Allele origin: not applicable. Functional consequence: retained intron. Not counted in ClinVar's aggregate classification.

Dr. Peter K. Rogan Lab, Western University
No classification provided (evidence only). Condition: Acute myeloid leukemia. Review status: no classification provided. Collection method: in vitro. Allele origin: not applicable. Functional consequence: retained intron. Not counted in ClinVar's aggregate classification.

Dr. Peter K. Rogan Lab, Western University
No classification provided (evidence only). Condition: Acute myeloid leukemia. Review status: no classification provided. Collection method: in vitro. Allele origin: not applicable. Functional consequence: retained intron. Not counted in ClinVar's aggregate classification.

Dr. Peter K. Rogan Lab, Western University
No classification provided (evidence only). Condition: Acute myeloid leukemia. Review status: no classification provided. Collection method: in vitro. Allele origin: not applicable. Functional consequence: retained intron. Not counted in ClinVar's aggregate classification.

Dr. Peter K. Rogan Lab, Western University
No classification provided (evidence only). Condition: Malignant lymphoma, large B-cell, diffuse. Review status: no classification provided. Collection method: in vitro. Allele origin: not applicable. Functional consequence: retained intron. Not counted in ClinVar's aggregate classification.

Dr. Peter K. Rogan Lab, Western University
No classification provided (evidence only). Condition: Malignant lymphoma, large B-cell, diffuse. Review status: no classification provided. Collection method: in vitro. Allele origin: not applicable. Functional consequence: retained intron. Not counted in ClinVar's aggregate classification.

Dr. Peter K. Rogan Lab, Western University
No classification provided (evidence only). Condition: Thymoma. Review status: no classification provided. Collection method: in vitro. Allele origin: not applicable. Functional consequence: retained intron. Not counted in ClinVar's aggregate classification.

Dr. Peter K. Rogan Lab, Western University
No classification provided (evidence only). Condition: Uveal melanoma. Review status: no classification provided. Collection method: in vitro. Allele origin: not applicable. Functional consequence: retained intron. Not counted in ClinVar's aggregate classification.

NM_031272.5(TEX14):c.637-11C>A

Gene: TEX14 (testis expressed 14, intercellular bridge forming factor; minus strand). Cytogenetic location: 17q22.
Variant type: single nucleotide variant.
Coding change: c.637-11C>A on transcript NM_031272.5 (MANE Select); 11 bases into the intron before coding-DNA position 637, C replaced by A.
Molecular consequence: intron variant. On other transcripts: missense variant (1).
Genome position (GRCh38, 1-based): chr17:58,616,316, G>T on the plus strand (C>A on the coding strand, the complement: TEX14 is on the minus strand). VCF-style: chr17-58616316-G-T. GRCh37 (hg19) VCF-style: chr17-56693677-G-T.
Other names: NC_000017.10:g.56693677G>T; c.644C>A, p.Pro215His (NM_001201457.2); c.637-11C>A (NM_198393.4); short protein forms P215H.
Identifiers: ClinVar variation 3056149 (VCV003056149.3), dbSNP rs79813370, ClinGen allele CA8676668.